The following is an entry in ClinVar:

NM_002661.5(PLCG2):c.1557+9A>G

Gene: PLCG2 (phospholipase C gamma 2; plus strand). Cytogenetic location: 16q23.3.
Variant type: single nucleotide variant.
Coding change: c.1557+9A>G on transcript NM_002661.5 (MANE Select); 9 bases into the intron after coding-DNA position 1557, A replaced by G.
Molecular consequence: intron variant.
Genome position (GRCh38, 1-based): chr16:81,907,783, A>G. VCF-style: chr16-81907783-A-G. GRCh37 (hg19) VCF-style: chr16-81941388-A-G.
Other names: c.1557+9A>G (NM_001425751.1, NM_001425749.1, NM_001425750.1).
Identifiers: ClinVar variation 4526095 (VCV004526095.1).

ClinVar aggregate classification (germline): Likely benign (1 of 4 stars; one submission).

gnomAD v4.1: 8 of 1,604,192 alleles (0.0005%); highest among the groups gnomAD compares: East Asian, 0.011%; no homozygotes.

Submission:

Women's Health and Genetics/Laboratory Corporation of America, LabCorp
Classification: Likely benign. Last evaluated: 2025-07-29. Review status: criteria provided, single submitter. Criteria: LabCorp Variant Classification Summary - May 2015. Collection method: clinical testing. Allele origin: germline.
Comment: Variant summary: PLCG2 c.1557+9A>G alters a non-conserved nucleotide located at a position not widely known to affect splicing. Consensus agreement among computation tools predict no significant impact on normal splicing. However, these predictions have yet to be confirmed by functional studies. The variant allele was found at a frequency of 1.2e-05 in 247840 control chromosomes. The available data on variant occurrences in the general population are insufficient to allow any conclusion about variant significance. To our knowledge, no occurrence of c.1557+9A>G in individuals affected with Autoinflammation-PLCG2-associated antibody deficiency-immune dysregulation and no experimental evidence demonstrating its impact on protein function have been reported. No submitters have cited clinical-significance assessments for this variant to ClinVar. Based on the evidence outlined above, the variant was classified as likely benign.